The following is an entry in ClinVar:

NM_001040616.3(LINS1):c.1660A>G (p.Ile554Val)

Gene: LINS1 (lines homolog 1; minus strand). Cytogenetic location: 15q26.3.
Variant type: single nucleotide variant.
Coding change: c.1660A>G on transcript NM_001040616.3 (MANE Select); coding-DNA position 1660, A replaced by G.
Protein change: p.Ile554Val; replaces isoleucine 554 with valine.
Molecular consequence: missense variant. On other transcripts: non-coding transcript variant (3).
Genome position (GRCh38, 1-based): chr15:100,569,852, T>C on the plus strand (A>G on the coding strand, the complement: LINS1 is on the minus strand). VCF-style: chr15-100569852-T-C. GRCh37 (hg19) VCF-style: chr15-101110057-T-C.
Other names: c.913A>G, p.Ile305Val (NM_001352507.2); c.1507A>G, p.Ile503Val (NM_001352508.2); short protein forms I305V, I503V, I554V.
Identifiers: ClinVar variation 1799621 (VCV001799621.2), dbSNP rs777837713, ClinGen allele CA7759362.

ClinVar aggregate classification (germline): Uncertain significance (1 of 4 stars; one submission).

Conditions:
Inborn genetic diseases. Identifiers: MedGen C0950123, MeSH D030342.

Allele frequency attached by ClinVar (database versions not stated): TOPMed below 0.00001; gnomAD 0.00001; gnomAD exomes 0.00001; ExAC 0.00003.
gnomAD v4.1: 12 of 1,614,068 alleles (0.00074%); highest among the groups gnomAD compares: South Asian, 0.0077%; no homozygotes.

Submission:

Ambry Genetics
Classification: Uncertain significance for Inborn genetic diseases. Last evaluated: 2018-01-24. Review status: criteria provided, single submitter. Criteria: Ambry Variant Classification Scheme 2023. Collection method: clinical testing. Allele origin: germline.
Comment: The p.I554V variant (also known as c.1660A>G), located in coding exon 6 of the LINS gene, results from an A to G substitution at nucleotide position 1660. The isoleucine at codon 554 is replaced by valine, an amino acid with highly similar properties. This amino acid position is not conserved, and valine is the reference amino acid in several species. In addition, this alteration is predicted to be tolerated by in silico analysis. Since supporting evidence is limited at this time, the clinical significance of this alteration remains unclear.